The following is an entry in ClinVar:

ClinVar aggregate classification (germline): Likely benign. Review status: criteria provided, single submitter (1 of 4 stars). 2 submissions from 2 submitters: Likely benign (1). 1 of the submissions does not count toward it. Last evaluated 2024-11-26.

Conditions:
ABCA4-related disorder. Also called: ABCA4-related condition; ABCA4-related disorders. Identifiers: MedGen CN239167.

Submissions (2):

Blueprint Genetics
Classification: Likely benign. Last evaluated: 2024-11-26. Review status: criteria provided, single submitter. Criteria: ACMG Guidelines, 2015. Collection method: clinical testing. Allele origin: germline.

PreventionGenetics, part of Exact Sciences
Classification: Likely benign for ABCA4-related condition. Last evaluated: 2024-08-20. Review status: no assertion criteria provided. Collection method: clinical testing. Allele origin: germline. Not counted in ClinVar's aggregate classification.
Comment: This variant is classified as likely benign based on ACMG/AMP sequence variant interpretation guidelines (Richards et al. 2015 PMID: 25741868, with internal and published modifications).

NM_000350.3(ABCA4):c.859-529GTT[6]

Gene: ABCA4 (ATP binding cassette subfamily A member 4; minus strand). Cytogenetic location: 1p22.1.
Variant type: Microsatellite.
Coding change: c.859-529GTT[6] on transcript NM_000350.3 (MANE Select); six copies in a row of the 3-base unit GTT starting at c.859-529; the reference has seven copies in a row; one copy, 3 bases deleted.
Molecular consequence: intron variant.
Genome position (GRCh38, 1-based): chr1:94,081,227-94,081,229, AAC deleted on the plus strand (GTT on the coding strand, the reverse complement: ABCA4 is on the minus strand); deleting any 3 consecutive bases within chr1:94,081,227-94,081,249 gives the same sequence; the position shown is the placement nearest the transcript's 3' end. VCF-style (leftmost placement, unchanged base first): chr1-94081226-AAAC-A. GRCh37 (hg19) VCF-style: chr1-94546782-AAAC-A.
Other names: c.859-529GTT[6] (NM_001425324.1).
Identifiers: ClinVar variation 3358725 (VCV003358725.2).